The following is an entry in ClinVar:

ClinVar aggregate classification (germline): Uncertain significance (1 of 4 stars; one submission).

Conditions:
Hydrocephalus, nonsyndromic, autosomal recessive 1 (HYC1). Also called: Hydrocephalus, nonsyndromic, autosomal recessive; Congenital hydrocephalus 1. Identifiers: Orphanet 2185, MedGen C3887608, MONDO:0009360, OMIM 236600.

Allele frequency attached by ClinVar (database versions not stated): gnomAD exomes below 0.00001.

Submission:

Baylor Genetics
Classification: Uncertain significance for Hydrocephalus, nonsyndromic, autosomal recessive 1. Last evaluated: 2019-04-15. Review status: criteria provided, single submitter. Criteria: ACMG Guidelines, 2015. Collection method: clinical testing. Allele origin: paternal. Affected: yes.
Comment: This variant was determined to be of uncertain significance according to ACMG Guidelines, 2015 [PMID:25741868].

NM_001080414.4(CCDC88C):c.3647T>G (p.Met1216Arg)

Gene: CCDC88C (coiled-coil and HOOK domain protein 88C; minus strand). Cytogenetic location: 14q32.11.
Variant type: single nucleotide variant.
Coding change: c.3647T>G on transcript NM_001080414.4 (MANE Select); coding-DNA position 3647, T replaced by G.
Protein change: p.Met1216Arg; replaces methionine 1216 with arginine.
Molecular consequence: missense variant.
Genome position (GRCh38, 1-based): chr14:91,300,059, A>C on the plus strand (T>G on the coding strand, the complement: CCDC88C is on the minus strand). VCF-style: chr14-91300059-A-C. GRCh37 (hg19) VCF-style: chr14-91766403-A-C.
Other names: short protein forms M1216R.
Identifiers: ClinVar variation 1030084 (VCV001030084.1), dbSNP rs1891200660, ClinGen allele CA390620513.